The following is an entry in ClinVar:

ClinVar aggregate classification (germline): Uncertain significance. Review status: criteria provided, multiple submitters, no conflicts (2 of 4 stars). 2 submissions from 2 submitters: Uncertain significance (2). Last evaluated 2024-08-20.

Conditions:
Inborn genetic diseases. Identifiers: MedGen C0950123, MeSH D030342.

Allele frequency attached by ClinVar (database versions not stated): gnomAD 0.00001; gnomAD exomes 0.00001; TOPMed 0.00001; ExAC 0.00002.
gnomAD v4.1: 19 of 1,612,976 alleles (0.0012%); highest among the groups gnomAD compares: East Asian, 0.038%; no homozygotes.

Submissions (2):

Ambry Genetics
Classification: Uncertain significance for Inborn genetic diseases. Last evaluated: 2024-08-20. Review status: criteria provided, single submitter. Criteria: Ambry Variant Classification Scheme 2023. Collection method: clinical testing. Allele origin: germline.

Labcorp Genetics (formerly Invitae), Labcorp
Classification: Uncertain significance. Last evaluated: 2022-02-20. Review status: criteria provided, single submitter. Criteria: Invitae Variant Classification Sherloc (09022015). Collection method: clinical testing. Allele origin: germline.
Comment: This sequence change replaces threonine, which is neutral and polar, with isoleucine, which is neutral and non-polar, at codon 1126 of the FREM1 protein (p.Thr1126Ile). This variant is present in population databases (rs746911959, gnomAD 0.02%). This variant has not been reported in the literature in individuals affected with FREM1-related conditions. Algorithms developed to predict the effect of missense changes on protein structure and function are either unavailable or do not agree on the potential impact of this missense change (SIFT: "Deleterious"; PolyPhen-2: "Probably Damaging"; Align-GVGD: "Class C0"). In summary, the available evidence is currently insufficient to determine the role of this variant in disease. Therefore, it has been classified as a Variant of Uncertain Significance.

NM_001379081.2(FREM1):c.3377C>T (p.Thr1126Ile)

Gene: FREM1 (FRAS1 related extracellular matrix 1; minus strand). Cytogenetic location: 9p22.3.
Variant type: single nucleotide variant.
Coding change: c.3377C>T on transcript NM_001379081.2 (MANE Select); coding-DNA position 3377, C replaced by T.
Protein change: p.Thr1126Ile; replaces threonine 1126 with isoleucine.
Molecular consequence: missense variant. On other transcripts: non-coding transcript variant (2).
Genome position (GRCh38, 1-based): chr9:14,805,050, G>A on the plus strand (C>T on the coding strand, the complement: FREM1 is on the minus strand). VCF-style: chr9-14805050-G-A. GRCh37 (hg19) VCF-style: chr9-14805048-G-A.
Other names: c.3377C>T, p.Thr1126Ile (NM_144966.7); c.3377C>T (NM_144966.5); short protein forms T1126I.
Identifiers: ClinVar variation 2100253 (VCV002100253.5), dbSNP rs746911959, ClinGen allele CA4990578.
Genomic context (GRCh38, chr9:14,805,050, plus strand): 5'-TCATTTGTGGGGTTGATTATAATAGAAAATGGTATCTCCAAGGAGTGATGCTTCCCATCT[G>A]TGACGTACACCGTGAACTGGTCGGCAGTTGGTTCTATCCTCAGATGCCTGGACTGCACAT-3'
Protein context (NP_001366010.1, residues 1116-1136): PTADQFTVYV[Thr1126Ile]DGKHHSLEIP